The following is an entry in ClinVar:

NM_000069.3(CACNA1S):c.497C>T (p.Ala166Val)

Gene: CACNA1S (calcium voltage-gated channel subunit alpha1 S; minus strand). Cytogenetic location: 1q32.1.
Variant type: single nucleotide variant.
Coding change: c.497C>T on transcript NM_000069.3 (MANE Select); coding-DNA position 497, C replaced by T.
Protein change: p.Ala166Val; replaces alanine 166 with valine.
Molecular consequence: missense variant.
Genome position (GRCh38, 1-based): chr1:201,092,016, G>A on the plus strand (C>T on the coding strand, the complement: CACNA1S is on the minus strand). VCF-style: chr1-201092016-G-A. GRCh37 (hg19) VCF-style: chr1-201061144-G-A.
Other names: short protein forms A166V.
Identifiers: ClinVar variation 2931143 (VCV002931143.3), dbSNP rs1442548845, ClinGen allele CA344141736.
Genomic context (GRCh38, chr1:201,092,016, plus strand): 5'-GGACACTGCCACCCACTAGGCACCCCCGACACCAGCCGGAGGGGTCTGAGCACTCGGAAG[G>A]CTCTGAGGGCCTTGACATCCAAGCCGGCTCCTTTGCTGCTCATTGGGGCTGTGTGGCTTT-3'
Protein context (NP_000060.2, residues 156-176): GAGLDVKALR[Ala166Val]FRVLRPLRLV

ClinVar aggregate classification (germline): Uncertain significance (1 of 4 stars; one submission).

Conditions:
Malignant hyperthermia, susceptibility to, 5 (MHS5). Also called: CACNA1S-Related Malignant Hyperthermia Susceptibility. Identifiers: Orphanet 423, MedGen C1866077, MONDO:0011163, OMIM 601887.
Hypokalemic periodic paralysis, type 1. Also called: Hypokalemic Periodic Paralysis Type 1 (AD); HypoPP. Identifiers: Orphanet 681, MedGen C3714580, MONDO:0042979, OMIM 170400.

Allele frequency attached by ClinVar (database versions not stated): TOPMed below 0.00001.

Submission:

Labcorp Genetics (formerly Invitae), Labcorp
Classification: Uncertain significance for Hypokalemic periodic paralysis, type 1; Malignant hyperthermia, susceptibility to, 5. Last evaluated: 2023-10-13. Review status: criteria provided, single submitter. Criteria: Invitae Variant Classification Sherloc (09022015). Collection method: clinical testing. Allele origin: germline.
Comment: This sequence change replaces alanine, which is neutral and non-polar, with valine, which is neutral and non-polar, at codon 166 of the CACNA1S protein (p.Ala166Val). This variant is not present in population databases (gnomAD no frequency). This variant has not been reported in the literature in individuals affected with CACNA1S-related conditions. Advanced modeling of protein sequence and biophysical properties (such as structural, functional, and spatial information, amino acid conservation, physicochemical variation, residue mobility, and thermodynamic stability) performed at Invitae indicates that this missense variant is expected to disrupt CACNA1S protein function. In summary, the available evidence is currently insufficient to determine the role of this variant in disease. Therefore, it has been classified as a Variant of Uncertain Significance.